The following is an entry in ClinVar:

ClinVar aggregate classification (germline): Conflicting classifications of pathogenicity. Review status: criteria provided, conflicting classifications (1 of 4 stars). 4 submissions from 4 submitters: Uncertain significance (3); Likely benign (1). Last evaluated 2025-08-04.

Conditions:
Gorlin syndrome. Also called: Nevoid Basal Cell Carcinoma Syndrome; Basal cell nevus syndrome. Identifiers: Orphanet 377, MedGen C0004779, MONDO:0007187.
Hereditary cancer-predisposing syndrome. Also called: Neoplastic Syndromes, Hereditary; Tumor predisposition; Hereditary neoplastic syndrome; Hereditary Cancer Syndrome. Identifiers: Orphanet 140162, MedGen C0027672, MeSH D009386, MONDO:0015356.

Allele frequency attached by ClinVar (database versions not stated): gnomAD 0.00001; gnomAD exomes 0.00001; TOPMed 0.00001; ExAC 0.00002; 1000 Genomes Project 30x 0.00016; 1000 Genomes Project 0.00020.
gnomAD v4.1: 16 of 1,614,184 alleles (0.00099%); highest among the groups gnomAD compares: African/African-American, 0.0013%; no homozygotes.

Submissions (4):

Labcorp Genetics (formerly Invitae), Labcorp
Classification: Likely benign for Gorlin syndrome. Last evaluated: 2025-08-04. Review status: criteria provided, single submitter. Criteria: Invitae Variant Classification Sherloc (09022015). Collection method: clinical testing. Allele origin: germline.

Ambry Genetics
Classification: Uncertain significance for Hereditary cancer-predisposing syndrome. Last evaluated: 2025-01-08. Review status: criteria provided, single submitter. Criteria: Ambry Variant Classification Scheme 2023. Collection method: clinical testing. Allele origin: germline.
Comment: The p.G1012S variant (also known as c.3034G>A), located in coding exon 18 of the PTCH1 gene, results from a G to A substitution at nucleotide position 3034. The glycine at codon 1012 is replaced by serine, an amino acid with similar properties. This amino acid position is highly conserved in available vertebrate species. In addition, this alteration is predicted to be deleterious by in silico analysis. Since supporting evidence is limited at this time, the clinical significance of this alteration remains unclear.

GeneDx
Classification: Uncertain significance. Last evaluated: 2023-05-25. Review status: criteria provided, single submitter. Criteria: GeneDx Variant Classification Process June 2021. Collection method: clinical testing. Allele origin: germline.
Comment: Not observed at significant frequency in large population cohorts (gnomAD); In silico analysis supports that this missense variant has a deleterious effect on protein structure/function; Has not been previously published as pathogenic or benign to our knowledge; This variant is associated with the following publications: (PMID: 8906794)

Breakthrough Genomics
Classification: Uncertain significance. Review status: criteria provided, single submitter. Criteria: ACMG Guidelines, 2015. Collection method: not provided. Allele origin: germline. Inheritance: Autosomal recessive inheritance. Affected: yes.

NM_000264.5(PTCH1):c.3034G>A (p.Gly1012Ser)

Gene: PTCH1 (patched 1; minus strand). Cytogenetic location: 9q22.32.
Variant type: single nucleotide variant.
Coding change: c.3034G>A on transcript NM_000264.5 (MANE Select); coding-DNA position 3034, G replaced by A.
Protein change: p.Gly1012Ser; replaces glycine 1012 with serine.
Molecular consequence: missense variant. On other transcripts: non-coding transcript variant (1).
Genome position (GRCh38, 1-based): chr9:95,458,147, C>T on the plus strand (G>A on the coding strand, the complement: PTCH1 is on the minus strand). VCF-style: chr9-95458147-C-T. GRCh37 (hg19) VCF-style: chr9-98220429-C-T.
Other names: c.2836G>A, p.Gly946Ser (NM_001083602.3); c.3031G>A, p.Gly1011Ser (NM_001083603.3); c.2581G>A, p.Gly861Ser (NM_001083604.3, NM_001083605.3, NM_001083606.3 and 1 more transcripts); c.2878G>A, p.Gly960Ser (NM_001354918.2); short protein forms G861S, G946S, G960S, G1012S, G1011S.
Identifiers: ClinVar variation 1416744 (VCV001416744.12), dbSNP rs187813269, ClinGen allele CA5138265.